The following is an entry in ClinVar:

NM_001297.5(CNGB1):c.2360A>G (p.Tyr787Cys)

Gene: CNGB1 (cyclic nucleotide gated channel subunit beta 1; minus strand). Cytogenetic location: 16q21.
Variant type: single nucleotide variant.
Coding change: c.2360A>G on transcript NM_001297.5 (MANE Select); coding-DNA position 2360, A replaced by G.
Protein change: p.Tyr787Cys; replaces tyrosine 787 with cysteine.
Molecular consequence: missense variant.
Genome position (GRCh38, 1-based): chr16:57,912,939, T>C on the plus strand (A>G on the coding strand, the complement: CNGB1 is on the minus strand). VCF-style: chr16-57912939-T-C. GRCh37 (hg19) VCF-style: chr16-57946843-T-C.
Other names: c.2342A>G, p.Tyr781Cys (NM_001286130.2); short protein forms Y781C, Y787C.
Identifiers: ClinVar variation 1419278 (VCV001419278.5), dbSNP rs370288562, ClinGen allele CA8083052.
Genomic context (GRCh38, chr16:57,912,939, plus strand): 5'-TTGTGAGTGTCATGTGTGTGTGCATGCATGCACATGCAGGGGGAGTCTCACCTGTACACG[T>C]AGGCTTTGCTGAGGATGGATTCCAGGCGGCTGTTAAACTCGAAGAAGGCCATGTACTGGA-3'
Protein context (NP_001288.3, residues 777-797): SRLESILSKA[Tyr787Cys]VYRVIRTTAY

ClinVar aggregate classification (germline): Uncertain significance. Review status: criteria provided, multiple submitters, no conflicts (2 of 4 stars). 3 submissions from 3 submitters: Uncertain significance (3). Last evaluated 2023-10-31.

Conditions:
Retinal dystrophy. Also called: Inherited retinal dystrophy. Identifiers: Orphanet 71862, MedGen C0854723, MeSH D058499, MONDO:0019118, HP:0000556.

Allele frequency attached by ClinVar (database versions not stated): ExAC 0.00001; gnomAD 0.00001 and 0.00002; gnomAD exomes 0.00001 and 0.00003; ESP Exome Variant Server 0.00008.
gnomAD v4.1: 47 of 1,613,816 alleles (0.0029%); highest among the groups gnomAD compares: East Asian, 0.033%; no homozygotes.

Submissions (3):

Blueprint Genetics
Classification: Uncertain significance. Last evaluated: 2023-10-31. Review status: criteria provided, single submitter. Criteria: ACMG Guidelines, 2015. Collection method: clinical testing. Allele origin: germline.

Dept Of Ophthalmology, Nagoya University
Classification: Uncertain significance for Retinal dystrophy. Last evaluated: 2023-10-01. Review status: criteria provided, single submitter. Criteria: Submitter's publication. Collection method: research. Allele origin: germline. Affected: yes.

Labcorp Genetics (formerly Invitae), Labcorp
Classification: Uncertain significance. Last evaluated: 2022-10-24. Review status: criteria provided, single submitter. Criteria: Invitae Variant Classification Sherloc (09022015). Collection method: clinical testing. Allele origin: germline.
Comment: This sequence change replaces tyrosine, which is neutral and polar, with cysteine, which is neutral and slightly polar, at codon 787 of the CNGB1 protein (p.Tyr787Cys). This variant is present in population databases (rs370288562, gnomAD 0.003%). This missense change has been observed in individual(s) with retinitis pigmentosa (PMID: 28224992). ClinVar contains an entry for this variant (Variation ID: 1419278). Advanced modeling of protein sequence and biophysical properties (such as structural, functional, and spatial information, amino acid conservation, physicochemical variation, residue mobility, and thermodynamic stability) has been performed at Invitae for this missense variant, however the output from this modeling did not meet the statistical confidence thresholds required to predict the impact of this variant on CNGB1 protein function. In summary, the available evidence is currently insufficient to determine the role of this variant in disease. Therefore, it has been classified as a Variant of Uncertain Significance.

Literature cited by the submitters: PubMed 28224992 (cited by Labcorp Genetics (formerly Invitae), Labcorp).